The following is an entry in ClinVar:

NM_003745.2(SOCS1):c.80C>T (p.Ser27Phe)

Genes: SOCS1 (suppressor of cytokine signaling 1; minus strand), LOC130058479 (ATAC-STARR-seq lymphoblastoid silent region 7198; plus strand). Cytogenetic location: 16p13.13.
Variant type: single nucleotide variant.
Coding change: c.80C>T on transcript NM_003745.2 (MANE Select); coding-DNA position 80, C replaced by T.
Protein change: p.Ser27Phe; replaces serine 27 with phenylalanine.
Molecular consequence: missense variant.
Genome position (GRCh38, 1-based): chr16:11,255,399, G>A on the plus strand (C>T on the coding strand, the complement: SOCS1 is on the minus strand). VCF-style: chr16-11255399-G-A. GRCh37 (hg19) VCF-style: chr16-11349256-G-A.
Other names: short protein forms S27F.
Identifiers: ClinVar variation 2646214 (VCV002646214.24), dbSNP rs1249424944, ClinGen allele CA394740792.

ClinVar aggregate classification (germline): Uncertain significance (1 of 4 stars; one submission).

Allele frequency attached by ClinVar (database versions not stated): gnomAD 0.00001; TOPMed 0.00002.

Submission:

CeGaT Center for Human Genetics Tuebingen
Classification: Uncertain significance. Last evaluated: 2022-12-01. Review status: criteria provided, single submitter. Criteria: CeGaT Center For Human Genetics Tuebingen Variant Classification Criteria Version 2. Collection method: clinical testing. Allele origin: germline. Affected: yes. Observed: 1 variant allele.
Comment: SOCS1: PM2